The following is an entry in ClinVar:

ClinVar aggregate classification (germline): Uncertain significance. Review status: criteria provided, multiple submitters, no conflicts (2 of 4 stars). 2 submissions from 2 submitters: Uncertain significance (2). Last evaluated 2025-08-14.

Conditions:
Inborn genetic diseases. Identifiers: MedGen C0950123, MeSH D030342.

Allele frequency attached by ClinVar (database versions not stated): ExAC 0.00001; gnomAD exomes 0.00001; TOPMed 0.00004; gnomAD 0.00004.
gnomAD v4.1: 16 of 1,613,944 alleles (0.00099%); highest among the groups gnomAD compares: Admixed American, 0.017%; 1 homozygote.

Submissions (2):

Ambry Genetics
Classification: Uncertain significance for Inborn genetic diseases. Last evaluated: 2025-08-14. Review status: criteria provided, single submitter. Criteria: Ambry Variant Classification Scheme 2023. Collection method: clinical testing. Allele origin: germline.

Labcorp Genetics (formerly Invitae), Labcorp
Classification: Uncertain significance. Last evaluated: 2022-10-21. Review status: criteria provided, single submitter. Criteria: Invitae Variant Classification Sherloc (09022015). Collection method: clinical testing. Allele origin: germline.
Comment: Advanced modeling of protein sequence and biophysical properties (such as structural, functional, and spatial information, amino acid conservation, physicochemical variation, residue mobility, and thermodynamic stability) performed at Invitae indicates that this missense variant is not expected to disrupt LBR protein function. In summary, the available evidence is currently insufficient to determine the role of this variant in disease. Therefore, it has been classified as a Variant of Uncertain Significance. This variant has not been reported in the literature in individuals affected with LBR-related conditions. This variant is present in population databases (rs746311894, gnomAD 0.009%). This sequence change replaces serine, which is neutral and polar, with asparagine, which is neutral and polar, at codon 3 of the LBR protein (p.Ser3Asn).

NM_002296.4(LBR):c.8G>A (p.Ser3Asn)

Gene: LBR (lamin B receptor; minus strand). Cytogenetic location: 1q42.12.
Variant type: single nucleotide variant.
Coding change: c.8G>A on transcript NM_002296.4 (MANE Select); coding-DNA position 8, G replaced by A.
Protein change: p.Ser3Asn; replaces serine 3 with asparagine.
Molecular consequence: missense variant.
Genome position (GRCh38, 1-based): chr1:225,424,068, C>T on the plus strand (G>A on the coding strand, the complement: LBR is on the minus strand). VCF-style: chr1-225424068-C-T. GRCh37 (hg19) VCF-style: chr1-225611770-C-T.
Other names: c.8G>A, p.Ser3Asn (NM_194442.3); c.8G>A (NM_002296.3); short protein forms S3N.
Identifiers: ClinVar variation 2070127 (VCV002070127.5), dbSNP rs746311894, ClinGen allele CA1417592.